The following is an entry in ClinVar:

ClinVar aggregate classification (germline): Likely benign (0 of 4 stars; one submission).

Conditions:
FKBP6-related disorder. Also called: FKBP6-related condition.

Submission:

PreventionGenetics, part of Exact Sciences
Classification: Likely benign for FKBP6-related condition. Last evaluated: 2019-04-03. Review status: no assertion criteria provided. Collection method: clinical testing. Allele origin: germline.
Comment: This variant is classified as likely benign based on ACMG/AMP sequence variant interpretation guidelines (Richards et al. 2015 PMID: 25741868, with internal and published modifications).

NM_003602.5(FKBP6):c.588+3GA[3]

Gene: FKBP6 (FKBP prolyl isomerase family member 6 (inactive); plus strand). Cytogenetic location: 7q11.23.
Variant type: Microsatellite.
Coding change: c.588+3GA[3] on transcript NM_003602.5 (MANE Select); three copies in a row of the 2-base unit GA starting at c.588+3; the reference has two copies in a row; one copy, 2 bases duplicated.
Molecular consequence: intron variant.
Genome position (GRCh38, 1-based): chr7:73,331,781-73,331,782, GA duplicated; duplicating any 2 consecutive bases within chr7:73,331,779-73,331,782 gives the same sequence; the position shown is the placement nearest the transcript's 3' end. VCF-style (leftmost placement, unchanged base first): chr7-73331778-T-TGA. GRCh37 (hg19) VCF-style: chr7-72745781-T-TGA.
Other names: c.498+3GA[3] (NM_001281304.2); c.573+3GA[3] (NM_001135211.3); c.453+1427GA[3] (NM_001362789.2).
Identifiers: ClinVar variation 3058333 (VCV003058333.2), dbSNP rs781811349, ClinGen allele CA4286738.